The following is an entry in ClinVar:

ClinVar aggregate classification (germline): Pathogenic. Review status: criteria provided, multiple submitters, no conflicts (2 of 4 stars). 3 submissions from 3 submitters: Pathogenic (3). Last evaluated 2023-04-11.

Conditions:
Encephalopathy due to GLUT1 deficiency. Also called: Glucose transporter protein syndrome; De Vivo disease; GLUT1 deficiency syndrome 1; GLUT1 deficiency syndrome 1, infantile onset, severe; Classic Glucose Transporter Type 1 Deficiency Syndrome; GLUCOSE TRANSPORT DEFECT, BLOOD-BRAIN BARRIER. Identifiers: Orphanet 71277, MedGen C4551966, MONDO:0011724, OMIM 606777.
Dystonia 9 (DYT9). Also called: CHOREOATHETOSIS, KINESIGENIC, WITH EPISODIC ATAXIA AND SPASTICITY. Identifiers: Orphanet 53583, MedGen C1832855, MONDO:0010983, OMIM 601042.

Submissions (3):

Genome-Nilou Lab
Classification: Pathogenic for Encephalopathy due to GLUT1 deficiency. Last evaluated: 2023-04-11. Review status: criteria provided, single submitter. Criteria: ACMG Guidelines, 2015. Collection method: clinical testing. Allele origin: germline. Affected: no.

Mendelics
Classification: Pathogenic for Dystonia 9. Last evaluated: 2022-05-04. Review status: criteria provided, single submitter. Criteria: Mendelics Assertion Criteria 2019. Collection method: clinical testing. Allele origin: germline.

Genetic Services Laboratory, University of Chicago
Classification: Pathogenic. Last evaluated: 2020-09-02. Review status: criteria provided, single submitter. Criteria: ACMG Guidelines, 2015. Collection method: clinical testing. Allele origin: germline. Affected: yes.
Comment: DNA sequence analysis of the SLC2A1 gene demonstrated a sequence change in exon 6, c.739G>T. This sequence change results in the creation of a premature stop codon at amino acid position 247, p.Glu247*. This sequence change is predicted to result in an abnormal transcript, which may be degraded, or may lead to the production of a truncated SLC2A1 (GLUT1) protein with potentially abnormal function. This sequence change is absent in the gnomAD population database. Other truncating variants in this region and downstream of this variant have been reported in glucose transporter type 1 deficiency syndrome (PMIDs: 20129935, 25487684, 10980529). Collectively these evidences indicate that, the p.Glu247* sequence change is pathogenic.

NM_006516.4(SLC2A1):c.739G>T (p.Glu247Ter)

Gene: SLC2A1 (solute carrier family 2 member 1; minus strand). Cytogenetic location: 1p34.2.
Variant type: single nucleotide variant.
Coding change: c.739G>T on transcript NM_006516.4 (MANE Select); coding-DNA position 739, G replaced by T.
Protein change: p.Glu247Ter; replaces glutamic acid 247 with a stop codon.
Molecular consequence: nonsense.
Genome position (GRCh38, 1-based): chr1:42,929,721, C>A on the plus strand (G>T on the coding strand, the complement: SLC2A1 is on the minus strand). VCF-style: chr1-42929721-C-A. GRCh37 (hg19) VCF-style: chr1-43395392-C-A.
Other names: short protein forms E247*.
Identifiers: ClinVar variation 1335936 (VCV001335936.6), dbSNP rs2124449015, ClinGen allele CA339958011.